The following is an entry in ClinVar:

ClinVar aggregate classification (germline): Uncertain significance (1 of 4 stars; one submission).

Conditions:
Cardiovascular phenotype. Identifiers: MedGen CN230736.

gnomAD v4.1: 2 of 1,614,194 alleles (0.00012%); highest among the groups gnomAD compares: South Asian, 0.0022%; no homozygotes.

Submission:

Ambry Genetics
Classification: Uncertain significance for Cardiovascular phenotype. Last evaluated: 2025-04-05. Review status: criteria provided, single submitter. Criteria: Ambry Variant Classification Scheme 2023. Collection method: clinical testing. Allele origin: germline.
Comment: The p.P594T variant (also known as c.1780C>A), located in coding exon 11 of the CBL gene, results from a C to A substitution at nucleotide position 1780. The proline at codon 594 is replaced by threonine, an amino acid with highly similar properties. This amino acid position is conserved. In addition, the in silico prediction for this alteration is inconclusive. Based on the available evidence, the clinical significance of this variant remains unclear.

NM_005188.4(CBL):c.1780C>A (p.Pro594Thr)

Gene: CBL (Cbl proto-oncogene; plus strand). Cytogenetic location: 11q23.3.
Variant type: single nucleotide variant.
Coding change: c.1780C>A on transcript NM_005188.4 (MANE Select); coding-DNA position 1780, C replaced by A.
Protein change: p.Pro594Thr; replaces proline 594 with threonine.
Molecular consequence: missense variant.
Genome position (GRCh38, 1-based): chr11:119,285,405, C>A. VCF-style: chr11-119285405-C-A. GRCh37 (hg19) VCF-style: chr11-119156115-C-A.
Other names: short protein forms P594T.
Identifiers: ClinVar variation 3996003 (VCV003996003.1).
Genomic context (GRCh38, chr11:119,285,405, plus strand): 5'-TCCAGAGACAAACTGCCCCCTGTCCCCTCTAGCCGCCTTGGAGACTCATGGCTGCCCCGG[C>A]CAATCCCCAAAGTACCAGTATCTGCCCCAAGTTCCAGTGATCCCTGGACAGGAAGAGAAT-3'
Protein context (NP_005179.2, residues 584-604): SRLGDSWLPR[Pro594Thr]IPKVPVSAPS